The following is an entry in ClinVar:

ClinVar aggregate classification (germline): Benign. Review status: reviewed by expert panel (3 of 4 stars). 13 submissions from 13 submitters: Benign (1). 12 of the submissions do not count toward it. Last evaluated 2021-03-26.

Conditions:
TCF4-related disorder. Also called: TCF4-related condition.
Inborn genetic diseases. Identifiers: MedGen C0950123, MeSH D030342.
Pitt-Hopkins syndrome (PTHS). Also called: ENCEPHALOPATHY, SEVERE EPILEPTIC, WITH AUTONOMIC DYSFUNCTION; MENTAL RETARDATION, SYNDROMAL, WITH INTERMITTENT HYPERVENTILATION. Identifiers: Orphanet 2896, MedGen C1970431, MONDO:0012589, OMIM 610954.

Allele frequency attached by ClinVar (database versions not stated): 1000 Genomes Project 30x 0.00016; 1000 Genomes Project 0.00020; TOPMed 0.00061; gnomAD exomes 0.00063 and 0.00103; ExAC 0.00064; gnomAD 0.00064 and 0.00066; ESP Exome Variant Server 0.00069.
gnomAD v4.1: 1,566 of 1,613,924 alleles (0.097%); highest among the groups gnomAD compares: Non-Finnish European, 0.12%; 1 homozygote.

Submissions (13):

ClinGen Rett and Angelman-like Disorders Variant Curation Expert Panel
Classification: Benign for Pitt-Hopkins syndrome. Last evaluated: 2021-03-26. Review status: reviewed by expert panel. Criteria: ClinGen RettAS ACMG Specifications V1. Collection method: curation. Allele origin: germline. Inheritance: Autosomal dominant inheritance.
Comment: The allele frequency of the p.Ala315Val variant in TCF4 is 0.1% in European (Non-Finnish) sub population in gnomAD, which is high enough to be classified as benign based on thresholds defined by the ClinGen Rett/Angelman-like Expert Panel for Rett/AS-like conditions (BA1). The p.Ala315Val variant is observed in at least 2 unaffected individuals (internal database) (BS2). In summary, the p.Ala315Val variant in TCF4 is classified as benign based on the ACMG/AMP criteria (BA1, BS2, BP5).

CeGaT Center for Human Genetics Tuebingen
Classification: Likely benign. Last evaluated: 2026-07-01. Review status: criteria provided, single submitter. Criteria: CeGaT Center For Human Genetics Tuebingen Variant Classification Criteria Version 2. Collection method: clinical testing. Allele origin: germline. Affected: yes. Observed: 4 variant alleles. Not counted in ClinVar's aggregate classification.
Comment: TCF4: BS1

Labcorp Genetics (formerly Invitae), Labcorp
Classification: Likely benign for Pitt-Hopkins syndrome. Last evaluated: 2026-01-15. Review status: criteria provided, single submitter. Criteria: Invitae Variant Classification Sherloc (09022015). Collection method: clinical testing. Allele origin: germline. Not counted in ClinVar's aggregate classification.

ARUP Laboratories, Molecular Genetics and Genomics, ARUP Laboratories
Classification: Likely benign. Last evaluated: 2025-04-18. Review status: criteria provided, single submitter. Criteria: ARUP Molecular Germline Variant Investigation Process 2024. Collection method: clinical testing. Allele origin: germline. Not counted in ClinVar's aggregate classification.

Ambry Genetics
Classification: Likely benign for Inborn genetic diseases. Last evaluated: 2024-11-12. Review status: criteria provided, single submitter. Criteria: Ambry Variant Classification Scheme 2023. Collection method: clinical testing. Allele origin: germline. Not counted in ClinVar's aggregate classification.

Blueprint Genetics
Classification: Likely benign. Last evaluated: 2024-10-16. Review status: criteria provided, single submitter. Criteria: ACMG Guidelines, 2015. Collection method: clinical testing. Allele origin: germline. Not counted in ClinVar's aggregate classification.

Illumina Laboratory Services, Illumina
Classification: Benign for Pitt-Hopkins syndrome. Last evaluated: 2017-08-14. Review status: criteria provided, single submitter. Criteria: ICSL Variant Classification Criteria 13 December 2019. Collection method: clinical testing. Allele origin: germline. Not counted in ClinVar's aggregate classification.
Comment: This variant was observed as part of a predisposition screen in an ostensibly healthy population. A literature search was performed for the gene, cDNA change, and amino acid change (where applicable). Publications were found based on this search. The evidence from the literature, in combination with allele frequency data from public databases where available, was sufficient to rule this variant out of causing disease. Therefore, this variant is classified as benign.

Center for Pediatric Genomic Medicine, Children's Mercy Hospital and Clinics
Classification: Likely benign. Last evaluated: 2017-01-05. Review status: criteria provided, single submitter. Criteria: ACMG Guidelines, 2015. Collection method: clinical testing. Allele origin: germline. Not counted in ClinVar's aggregate classification.
ClinVar note: Converted during submission from Likely Benign to Likely benign.

GeneDx
Classification: Benign. Last evaluated: 2016-06-24. Review status: criteria provided, single submitter. Criteria: GeneDx Variant Classification (06012015). Collection method: clinical testing. Allele origin: germline. Affected: yes. Not counted in ClinVar's aggregate classification.
Comment: This variant is considered likely benign or benign based on one or more of the following criteria: it is a conservative change, it occurs at a poorly conserved position in the protein, it is predicted to be benign by multiple in silico algorithms, and/or has population frequency not consistent with disease.

Eurofins Ntd Llc (ga)
Classification: Benign. Last evaluated: 2016-04-28. Review status: criteria provided, single submitter. Criteria: EGL Classification Definitions 2015. Collection method: clinical testing. Allele origin: germline. Observed: 2 variant alleles, 2 heterozygotes. Not counted in ClinVar's aggregate classification.

Genomic Diagnostic Laboratory, Division of Genomic Diagnostics, Children's Hospital of Philadelphia
Classification: Benign. Last evaluated: 2015-02-16. Review status: criteria provided, single submitter. Criteria: DGD Variant Analysis Guidelines. Collection method: clinical testing. Allele origin: unknown. Not counted in ClinVar's aggregate classification.

Genetic Services Laboratory, University of Chicago
Classification: Benign. Last evaluated: 2013-02-08. Review status: criteria provided, single submitter. Criteria: ACMG Guidelines, 2007. Collection method: clinical testing. Allele origin: germline. Inheritance: Autosomal dominant inheritance. Not counted in ClinVar's aggregate classification.

PreventionGenetics, part of Exact Sciences
Classification: Likely benign for TCF4-related condition. Last evaluated: 2021-04-06. Review status: no assertion criteria provided. Collection method: clinical testing. Allele origin: germline. Not counted in ClinVar's aggregate classification.
Comment: This variant is classified as likely benign based on ACMG/AMP sequence variant interpretation guidelines (Richards et al. 2015 PMID: 25741868, with internal and published modifications).

Literature cited by the submitters: PubMed 26010163 (cited by Illumina Laboratory Services, Illumina); PubMed 24126932 (cited by Illumina Laboratory Services, Illumina).

NM_001083962.2(TCF4):c.944C>T (p.Ala315Val)

Gene: TCF4 (transcription factor 4; minus strand). Cytogenetic location: 18q21.2.
Variant type: single nucleotide variant.
Coding change: c.944C>T on transcript NM_001083962.2 (MANE Select); coding-DNA position 944, C replaced by T.
Protein change: p.Ala315Val; replaces alanine 315 with valine.
Molecular consequence: missense variant.
Genome position (GRCh38, 1-based): chr18:55,261,512, G>A on the plus strand (C>T on the coding strand, the complement: TCF4 is on the minus strand). VCF-style: chr18-55261512-G-A. GRCh37 (hg19) VCF-style: chr18-52928743-G-A.
Other names: p.A315V:GCC>GTC; c.1250C>T, p.Ala417Val (NM_001243226.3); c.872C>T, p.Ala291Val (NM_001243227.2, NM_001306207.1, NM_001369575.1 and 9 more transcripts); c.962C>T, p.Ala321Val (NM_001243228.2); c.938C>T, p.Ala313Val (NM_001243230.2); c.818C>T, p.Ala273Val (NM_001243231.2, NM_001348211.2); c.731C>T, p.Ala244Val (NM_001243232.1, NM_001306208.1); c.554C>T, p.Ala185Val (NM_001243233.2, NM_001330605.3, NM_001348212.2 and 1 more transcripts); and 5 more; short protein forms A315V, A185V, A244V, A273V, A99V, A291V, A313V, A321V.
Identifiers: ClinVar variation 160091 (VCV000160091.57), dbSNP rs147445499, ClinGen allele CA239802.